The following is an entry in ClinVar:

NM_130837.3(OPA1):c.678+235T>C

Genes: OPA1-AS1 (OPA1 antisense RNA 1; minus strand), OPA1 (OPA1 mitochondrial dynamin like GTPase; plus strand). Cytogenetic location: 3q29.
Variant type: single nucleotide variant.
Coding change: c.678+235T>C on transcript NM_130837.3 (MANE Select); 235 bases into the intron after coding-DNA position 678, T replaced by C.
Molecular consequence: intron variant.
Genome position (GRCh38, 1-based): chr3:193,619,171, T>C. VCF-style: chr3-193619171-T-C. GRCh37 (hg19) VCF-style: chr3-193336960-T-C.
Other names: c.252+235T>C (NM_001354664.2); c.144+235T>C (NM_001354663.2); c.678+235T>C (NM_130834.3); c.624+235T>C (NM_130836.3, NM_015560.3); c.570+235T>C (NM_130835.3, NM_130832.3); c.516+235T>C (NM_130833.3, NM_130831.3).
Identifiers: ClinVar variation 673601 (VCV000673601.1), dbSNP rs73067661, ClinGen allele CA90570875.

ClinVar aggregate classification (germline): Likely benign (1 of 4 stars; one submission).

Allele frequency attached by ClinVar (database versions not stated): gnomAD 0.00737 and 0.00744; TOPMed 0.00812; 1000 Genomes Project 0.01178; 1000 Genomes Project 30x 0.01312.
gnomAD v4.1: 1,107 of 152,302 alleles (0.73%); highest among the groups gnomAD compares: African/African-American, 2.2%; 9 homozygotes.

Submission:

GeneDx
Classification: Likely benign. Last evaluated: 2018-06-16. Review status: criteria provided, single submitter. Criteria: GeneDx Variant Classification (06012015). Collection method: clinical testing. Allele origin: germline. Affected: yes.
Comment: This variant is considered likely benign or benign based on one or more of the following criteria: it is a conservative change, it occurs at a poorly conserved position in the protein, it is predicted to be benign by multiple in silico algorithms, and/or has population frequency not consistent with disease.